The following is an entry in ClinVar:

NM_000540.3(RYR1):c.2034_2037delinsTGT (p.Thr679fs)

Gene: RYR1 (ryanodine receptor 1; plus strand). Cytogenetic location: 19q13.2.
Variant type: Indel.
Coding change: c.2034_2037delinsTGT on transcript NM_000540.3 (MANE Select); coding-DNA positions 2034 to 2037, CACC replaced by TGT.
Protein change: p.Thr679fs; shifts the reading frame from threonine 679.
Molecular consequence: frameshift variant.
Genome position (GRCh38, 1-based): chr19:38,458,159-38,458,162, CACC replaced by TGT. VCF-style: chr19-38458159-CACC-TGT. GRCh37 (hg19) VCF-style: chr19-38948799-CACC-TGT.
Other names: c.2034_2037delinsTGT, p.Thr679fs (NM_001042723.2); short protein forms T679fs.
Identifiers: ClinVar variation 4856849 (VCV004856849.2).

ClinVar aggregate classification (germline): Likely pathogenic (1 of 4 stars; one submission).

Submission:

Dasa
Classification: Likely pathogenic. Last evaluated: 2026-01-15. Review status: criteria provided, single submitter. Criteria: DASA Assertion Criteria. Collection method: clinical testing. Allele origin: germline.
Comment: NM_000540.3(RYR1):c.2034_2037delinsTGT (p.Thr679Valfs*51) is a frameshift variant in RYR1 predicted to alter the reading frame and introduce a premature termination codon and is predicted to result in an absent or altered protein product. Loss of function is an established disease mechanism for RYR1-associated disorders. Also, this variant is rare in population databases. Based on the currently available evidence, this variant is classified as likely pathogenic.